The following is an entry in ClinVar:

NM_005732.4(RAD50):c.3793C>G (p.Leu1265Val)

Genes: RAD50 (RAD50 double strand break repair protein; plus strand), TH2LCRR (T helper type 2 locus control region associated RNA; minus strand). Cytogenetic location: 5q31.1.
Variant type: single nucleotide variant.
Coding change: c.3793C>G on transcript NM_005732.4 (MANE Select); coding-DNA position 3793, C replaced by G.
Protein change: p.Leu1265Val; replaces leucine 1265 with valine.
Molecular consequence: missense variant. On other transcripts: non-coding transcript variant (1).
Genome position (GRCh38, 1-based): chr5:132,642,218, C>G. VCF-style: chr5-132642218-C-G. GRCh37 (hg19) VCF-style: chr5-131977910-C-G.
Other names: short protein forms L1265V.
Identifiers: ClinVar variation 2565951 (VCV002565951.2), dbSNP rs2479440048, ClinGen allele CA360935845.

ClinVar aggregate classification (germline): Uncertain significance (1 of 4 stars; one submission).

Conditions:
Hereditary cancer-predisposing syndrome. Also called: Neoplastic Syndromes, Hereditary; Hereditary Cancer Syndrome; Hereditary neoplastic syndrome; Tumor predisposition. Identifiers: Orphanet 140162, MedGen C0027672, MeSH D009386, MONDO:0015356.

Submission:

Ambry Genetics
Classification: Uncertain significance for Hereditary cancer-predisposing syndrome. Last evaluated: 2023-06-01. Review status: criteria provided, single submitter. Criteria: Ambry Variant Classification Scheme 2023. Collection method: clinical testing. Allele origin: germline.
Comment: The p.L1265V variant (also known as c.3793C>G), located in coding exon 25 of the RAD50 gene, results from a C to G substitution at nucleotide position 3793. The leucine at codon 1265 is replaced by valine, an amino acid with highly similar properties. This amino acid position is conserved. In addition, this alteration is predicted to be tolerated by in silico analysis. Since supporting evidence is limited at this time, the clinical significance of this alteration remains unclear.